The following is an entry in ClinVar:

ClinVar aggregate classification (germline): Uncertain significance. Review status: criteria provided, multiple submitters, no conflicts (2 of 4 stars). 2 submissions from 2 submitters: Uncertain significance (2). Last evaluated 2025-01-28.

Conditions:
Dilated Cardiomyopathy, Recessive.

Allele frequency attached by ClinVar (database versions not stated): gnomAD exomes 0.00002 and 0.00004; 1000 Genomes Project 30x 0.00016; TOPMed 0.00016; gnomAD 0.00017 and 0.00018; ESP Exome Variant Server 0.00018.
gnomAD v4.1: 54 of 1,551,288 alleles (0.0035%); highest among the groups gnomAD compares: African/African-American, 0.041%; no homozygotes.

Submissions (2):

Labcorp Genetics (formerly Invitae), Labcorp
Classification: Uncertain significance. Last evaluated: 2025-01-28. Review status: criteria provided, single submitter. Criteria: Invitae Variant Classification Sherloc (09022015). Collection method: clinical testing. Allele origin: germline.
Comment: This sequence change replaces arginine, which is basic and polar, with cysteine, which is neutral and slightly polar, at codon 249 of the PLEKHM2 protein (p.Arg249Cys). This variant is present in population databases (rs61738981, gnomAD 0.03%). This variant has not been reported in the literature in individuals affected with PLEKHM2-related conditions. ClinVar contains an entry for this variant (Variation ID: 1010576). An algorithm developed to predict the effect of missense changes on protein structure and function (PolyPhen-2) suggests that this variant is likely to be disruptive. In summary, the available evidence is currently insufficient to determine the role of this variant in disease. Therefore, it has been classified as a Variant of Uncertain Significance.

Ambry Genetics
Classification: Uncertain significance. Last evaluated: 2025-01-01. Review status: criteria provided, single submitter. Criteria: Ambry Variant Classification Scheme 2023. Collection method: clinical testing. Allele origin: germline.

NM_015164.4(PLEKHM2):c.745C>T (p.Arg249Cys)

Gene: PLEKHM2 (pleckstrin homology and RUN domain containing M2; plus strand). Cytogenetic location: 1p36.21.
Variant type: single nucleotide variant.
Coding change: c.745C>T on transcript NM_015164.4 (MANE Select); coding-DNA position 745, C replaced by T.
Protein change: p.Arg249Cys; replaces arginine 249 with cysteine.
Molecular consequence: missense variant.
Genome position (GRCh38, 1-based): chr1:15,725,349, C>T. VCF-style: chr1-15725349-C-T. GRCh37 (hg19) VCF-style: chr1-16051844-C-T.
Other names: c.745C>T (NM_015164.2); short protein forms R249C.
Identifiers: ClinVar variation 1010576 (VCV001010576.9), dbSNP rs61738981, ClinGen allele CA18297188.
Genomic context (GRCh38, chr1:15,725,349, plus strand): 5'-GGTGTCTCCTGCTTCCTTGTCCTCCCAGATGGAGACCTCACAGACACGGTCAGTGGTCCC[C>T]GCTCCACAGCCTCCGACCTGACCAGCAGCAAGGCCTCCACCAGGAGCCCCACCCAGCGCC-3'
Protein context (NP_055979.2, residues 239-259): GDLTDTVSGP[Arg249Cys]STASDLTSSK